The following is an entry in ClinVar:

NM_000390.4(CHM):c.1465_1510+677delinsTACAAAAGTATTACCTCTTAATACCTCAAGTAGACCCACAATGCAAAAGTTATTAAGAGGTAGGGGCTTTGGAAGATGGTTAGATAACAAGAGCTCTGCCCTCATAAATGGGATTAGTGCTCTTAAAAAAGGGTTCAAGGAAGCTTTTTTATCCCCTTGCCTGTATGAGGACACACAGAAGGTGCCACTTATGAGGAAAGGGTCCTCATCAGACACTGAATCTGCTGGCACCTTGATTTTGGACTTTCCAGCCTCTAGAATTGTGAGCAATAAATTTCTATTGTTTATTATAAGTTACCCAGTCTAAGGTATTTTTTCATAGCAGCCCAAATGGACTAAGAAAGTAAAGAAAAAAAATTAACAATAAAAAAAATGTTATGCAACCAGGTTTTCAATAAGCTAAATAAAAATTAGAATTGAAAGTCATAAAATTCCTTAACTGGAGAACTAAAACATCATGCTTGTGAAGATTTAGCCACTGAAATGTTTATAGGTAAGGGGATGGTGTGAAATGACTTACTCTATAACCATCTTTTATATAAACAAAAACTGTGAATAATAAAAAAGTAAGAAAATCTCTACAAATACAACCTTCACAACTGTAATAACTGCCCCCTTTACCCCCTAAACAAACACAAAATACAAATAACCACTCTACTATGCTTACAGGTGCCTTTCATGCATGTCATCGTTGAAG

Gene: CHM (CHM Rab escort protein; minus strand). Cytogenetic location: Xq21.2.
Variant type: Indel.
Coding change: c.1465_1510+677delinsTACAAAAGTATTACCTCTTAATACCTCAAGTAGACCCACAATGCAAAAGTTATTAAGAGGTAGGGGCTTTGGAAGATGGTTAGATAACAAGAGCTCTGCCCTCATAAATGGGATTAGTGCTCTTAAAAAAGGGTTCAAGGAAGCTTTTTTATCCCCTTGCCTGTATGAGGACACACAGAAGGTGCCACTTATGAGGAAAGGGTCCTCATCAGACACTGAATCTGCTGGCACCTTGATTTTGGACTTTCCAGCCTCTAGAATTGTGAGCAATAAATTTCTATTGTTTATTATAAGTTACCCAGTCTAAGGTATTTTTTCATAGCAGCCCAAATGGACTAAGAAAGTAAAGAAAAAAAATTAACAATAAAAAAAATGTTATGCAACCAGGTTTTCAATAAGCTAAATAAAAATTAGAATTGAAAGTCATAAAATTCCTTAACTGGAGAACTAAAACATCATGCTTGTGAAGATTTAGCCACTGAAATGTTTATAGGTAAGGGGATGGTGTGAAATGACTTACTCTATAACCATCTTTTATATAAACAAAAACTGTGAATAATAAAAAAGTAAGAAAATCTCTACAAATACAACCTTCACAACTGTAATAACTGCCCCCTTTACCCCCTAAACAAACACAAAATACAAATAACCACTCTACTATGCTTACAGGTGCCTTTCATGCATGTCATCGTTGAAG on transcript NM_000390.4 (MANE Select); coding-DNA position 1465 through 677 bases into the intron after coding-DNA position 1510, the reference bases replaced by an inserted sequence.
Molecular consequence: splice donor variant.
Genome position (GRCh38, 1-based): chrX:85,893,511-85,894,233, 723 bases replaced. GRCh37 (hg19): chrX:85,148,516-85,149,238.
Other names: c.1021_1066+677delinsTACAAAAGTATTACCTCTTAATACCTCAAGTAGACCCACAATGCAAAAGTTATTAAGAGGTAGGGGCTTTGGAAGATGGTTAGATAACAAGAGCTCTGCCCTCATAAATGGGATTAGTGCTCTTAAAAAAGGGTTCAAGGAAGCTTTTTTATCCCCTTGCCTGTATGAGGACACACAGAAGGTGCCACTTATGAGGAAAGGGTCCTCATCAGACACTGAATCTGCTGGCACCTTGATTTTGGACTTTCCAGCCTCTAGAATTGTGAGCAATAAATTTCTATTGTTTATTATAAGTTACCCAGTCTAAGGTATTTTTTCATAGCAGCCCAAATGGACTAAGAAAGTAAAGAAAAAAAATTAACAATAAAAAAAATGTTATGCAACCAGGTTTTCAATAAGCTAAATAAAAATTAGAATTGAAAGTCATAAAATTCCTTAACTGGAGAACTAAAACATCATGCTTGTGAAGATTTAGCCACTGAAATGTTTATAGGTAAGGGGATGGTGTGAAATGACTTACTCTATAACCATCTTTTATATAAACAAAAACTGTGAATAATAAAAAAGTAAGAAAATCTCTACAAATACAACCTTCACAACTGTAATAACTGCCCCCTTTACCCCCTAAACAAACACAAAATACAAATAACCACTCTACTATGCTTACAGGTGCCTTTCATGCATGTCATCGTTGAAG (NM_001362519.1, NM_001362517.1, NM_001320959.1 and 1 more transcripts).
Identifiers: ClinVar variation 1453598 (VCV001453598.6), dbSNP rs2148143198, ClinGen allele CA2573159637.

ClinVar aggregate classification (germline): Pathogenic (1 of 4 stars; one submission).

Submission:

Labcorp Genetics (formerly Invitae), Labcorp
Classification: Pathogenic. Last evaluated: 2020-11-25. Review status: criteria provided, single submitter. Criteria: Invitae Variant Classification Sherloc (09022015). Collection method: clinical testing. Allele origin: germline.
Comment: This variant results in the deletion of part of exon 12 (c.1465_1510+677delins697) of the CHM gene. It is expected to disrupt RNA splicing. Variants that disrupt the donor or acceptor splice site typically lead to a loss of protein function (PMID: 16199547), and loss-of-function variants in CHM are known to be pathogenic (PMID: 9067750, 23811034). This variant is not present in population databases (ExAC no frequency). This variant has been observed in individual(s) with choroideremia (Invitae). Algorithms developed to predict the effect of sequence changes on RNA splicing suggest that this variant may create or strengthen a splice site, but this prediction has not been confirmed by published transcriptional studies. For these reasons, this variant has been classified as Pathogenic.

Literature cited by the submitters: PubMed 16199547; PubMed 9067750; PubMed 23811034.